The following is an entry in ClinVar:

NM_012203.2(GRHPR):c.252C>A (p.Gly84=)

Gene: GRHPR (glyoxylate and hydroxypyruvate reductase; plus strand). Cytogenetic location: 9p13.2.
Variant type: single nucleotide variant.
Coding change: c.252C>A on transcript NM_012203.2 (MANE Select); coding-DNA position 252, C replaced by A.
Protein change: p.Gly84=; no amino-acid change (glycine 84 retained).
Molecular consequence: synonymous variant.
Genome position (GRCh38, 1-based): chr9:37,425,959, C>A. VCF-style: chr9-37425959-C-A. GRCh37 (hg19) VCF-style: chr9-37425956-C-A.
Other names: c.252C>A (NM_012203.1).
Identifiers: ClinVar variation 991671 (VCV000991671.7), dbSNP rs139595138, ClinGen allele CA5058966.

ClinVar aggregate classification (germline): Likely benign. Review status: criteria provided, single submitter (1 of 4 stars). 3 submissions from 3 submitters: Likely benign (1). 2 of the submissions do not count toward it. Last evaluated 2025-12-16.

Conditions:
GRHPR-related disorder. Also called: GRHPR-related condition.
Primary hyperoxaluria, type II (HP2). Also called: Primary hyperoxaluria type 2; D-GLYCERATE DEHYDROGENASE DEFICIENCY; GLYCERIC ACIDURIA; GLYOXYLATE REDUCTASE/HYDROXYPYRUVATE REDUCTASE DEFICIENCY; OXALOSIS II. Identifiers: Orphanet 416, Orphanet 93599, MedGen C0268165, MONDO:0009824, OMIM 260000. Disease mechanism: loss of function.

Allele frequency attached by ClinVar (database versions not stated): ExAC 0.00002; gnomAD exomes 0.00003; TOPMed 0.00008; ESP Exome Variant Server 0.00015.
gnomAD v4.1: 22 of 1,613,556 alleles (0.0014%); highest among the groups gnomAD compares: African/African-American, 0.028%; no homozygotes.

Submissions (3):

Labcorp Genetics (formerly Invitae), Labcorp
Classification: Likely benign. Last evaluated: 2025-12-16. Review status: criteria provided, single submitter. Criteria: Invitae Variant Classification Sherloc (09022015). Collection method: clinical testing. Allele origin: germline.

PreventionGenetics, part of Exact Sciences
Classification: Likely benign for GRHPR-related condition. Last evaluated: 2021-10-06. Review status: no assertion criteria provided. Collection method: clinical testing. Allele origin: germline. Not counted in ClinVar's aggregate classification.
Comment: This variant is classified as likely benign based on ACMG/AMP sequence variant interpretation guidelines (Richards et al. 2015 PMID: 25741868, with internal and published modifications).

Natera, Inc.
Classification: Likely benign for Primary hyperoxaluria type II. Last evaluated: 2020-11-04. Review status: no assertion criteria provided. Collection method: clinical testing. Allele origin: germline. Not counted in ClinVar's aggregate classification.